The following is an entry in ClinVar:

NM_000540.3(RYR1):c.13690C>G (p.Arg4564Gly)

Gene: RYR1 (ryanodine receptor 1; plus strand). Cytogenetic location: 19q13.2.
Variant type: single nucleotide variant.
Coding change: c.13690C>G on transcript NM_000540.3 (MANE Select); coding-DNA position 13690, C replaced by G.
Protein change: p.Arg4564Gly; replaces arginine 4564 with glycine.
Molecular consequence: missense variant.
Genome position (GRCh38, 1-based): chr19:38,570,637, C>G. VCF-style: chr19-38570637-C-G. GRCh37 (hg19) VCF-style: chr19-39061277-C-G.
Other names: c.13675C>G, p.Arg4559Gly (NM_001042723.2); short protein forms R4559G, R4564G.
Identifiers: ClinVar variation 945851 (VCV000945851.9), dbSNP rs753208767, ClinGen allele CA080955.

ClinVar aggregate classification (germline): Uncertain significance (1 of 4 stars; one submission).

Conditions:
RYR1-related disorder. Also called: RYR1-related disorders; RYR1-related condition. Identifiers: MedGen CN239331.

Submission:

Labcorp Genetics (formerly Invitae), Labcorp
Classification: Uncertain significance for RYR1-related disorder. Last evaluated: 2024-10-03. Review status: criteria provided, single submitter. Criteria: Invitae Variant Classification Sherloc (09022015). Collection method: clinical testing. Allele origin: germline.
Comment: This sequence change replaces arginine, which is basic and polar, with glycine, which is neutral and non-polar, at codon 4564 of the RYR1 protein (p.Arg4564Gly). This variant is not present in population databases (gnomAD no frequency). This variant has not been reported in the literature in individuals affected with RYR1-related conditions. ClinVar contains an entry for this variant (Variation ID: 945851). Invitae Evidence Modeling of protein sequence and biophysical properties (such as structural, functional, and spatial information, amino acid conservation, physicochemical variation, residue mobility, and thermodynamic stability) has been performed for this missense variant. However, the output from this modeling did not meet the statistical confidence thresholds required to predict the impact of this variant on RYR1 protein function. This variant disrupts the p.Arg4564 amino acid residue in RYR1. Other variant(s) that disrupt this residue have been determined to be pathogenic (PMID: 18253926, 30611313, 33333461; internal data). This suggests that this residue is clinically significant, and that variants that disrupt this residue are likely to be disease-causing. In summary, the available evidence is currently insufficient to determine the role of this variant in disease. Therefore, it has been classified as a Variant of Uncertain Significance.

Literature cited by the submitters: PubMed 18253926; PubMed 30611313; PubMed 33333461.